The following is an entry in ClinVar:

ClinVar aggregate classification (germline): Likely benign (1 of 4 stars; one submission).

Conditions:
CTDP1-related disorder. Also called: CTDP1-related condition.

gnomAD v4.1: 4 of 1,614,104 alleles (0.00025%); highest among the groups gnomAD compares: African/African-American, 0.0053%; no homozygotes.

Submission:

PreventionGenetics, part of Exact Sciences
Classification: Likely benign for CTDP1-related condition. Last evaluated: 2025-08-19. Review status: criteria provided, single submitter. Criteria: ACMG Guidelines, 2015. Collection method: clinical testing. Allele origin: germline.
Comment: This variant is classified as likely benign based on ACMG/AMP sequence variant interpretation guidelines (Richards et al. 2015 PMID: 25741868, with internal and published modifications).

NM_004715.5(CTDP1):c.561G>A (p.Val187=)

Gene: CTDP1 (CTD phosphatase 1; plus strand). Cytogenetic location: 18q23.
Variant type: single nucleotide variant.
Coding change: c.561G>A on transcript NM_004715.5 (MANE Select); coding-DNA position 561, G replaced by A.
Protein change: p.Val187=; no amino-acid change (valine 187 retained).
Molecular consequence: synonymous variant.
Genome position (GRCh38, 1-based): chr18:79,697,928, G>A. VCF-style: chr18-79697928-G-A. GRCh37 (hg19) VCF-style: chr18-77457928-G-A.
Other names: c.204G>A, p.Val68= (NM_001202504.1); c.561G>A, p.Val187= (NM_001318511.2, NM_048368.4).
Identifiers: ClinVar variation 4977808 (VCV004977808.1).